The following is an entry in ClinVar:

ClinVar aggregate classification (germline): Pathogenic/Likely pathogenic. Review status: criteria provided, multiple submitters, no conflicts (2 of 4 stars). 2 submissions from 2 submitters: Pathogenic (1); Likely pathogenic (1). Last evaluated 2024-06-13.

Conditions:
Merosin deficient congenital muscular dystrophy (MDC1A). Also called: Congenital Muscular Dystrophy Type 1A (MDC1A); Congenital merosin-deficient muscular dystrophy 1A. Identifiers: Orphanet 258, MedGen C1263858, MONDO:0011925, OMIM 607855.
Muscular dystrophy, limb-girdle, autosomal recessive 23. Identifiers: Orphanet 565837, MedGen C4748327, MONDO:0029136, OMIM 618138.
LAMA2-related muscular dystrophy (LAMA2-RD). Also called: Laminin alpha 2-related dystrophy. Identifiers: MedGen C5679788, MONDO:0100228.

Submissions (2):

Fulgent Genetics
Classification: Likely pathogenic for Merosin deficient congenital muscular dystrophy; Muscular dystrophy, limb-girdle, autosomal recessive 23. Last evaluated: 2024-06-13. Review status: criteria provided, single submitter. Criteria: ACMG Guidelines, 2015. Collection method: clinical testing. Allele origin: germline.

Labcorp Genetics (formerly Invitae), Labcorp
Classification: Pathogenic for LAMA2-related muscular dystrophy. Last evaluated: 2024-02-07. Review status: criteria provided, single submitter. Criteria: Invitae Variant Classification Sherloc (09022015). Collection method: clinical testing. Allele origin: germline.
Comment: This sequence change creates a premature translational stop signal (p.Phe2299Ilefs*11) in the LAMA2 gene. It is expected to result in an absent or disrupted protein product. Loss-of-function variants in LAMA2 are known to be pathogenic (PMID: 18700894, 32904964). This variant is not present in population databases (gnomAD no frequency). This variant has not been reported in the literature in individuals affected with LAMA2-related conditions. For these reasons, this variant has been classified as Pathogenic.

Literature cited by the submitters: PubMed 18700894 (cited by Labcorp Genetics (formerly Invitae), Labcorp); PubMed 32904964 (cited by Labcorp Genetics (formerly Invitae), Labcorp).

NM_000426.4(LAMA2):c.6894dup (p.Phe2299fs)

Gene: LAMA2 (laminin subunit alpha 2; plus strand). Cytogenetic location: 6q22.33.
Variant type: Duplication.
Coding change: c.6894dup on transcript NM_000426.4 (MANE Select); coding-DNA position 6894, one base duplicated (A; older notation c.6894dupA).
Protein change: p.Phe2299fs; shifts the reading frame from phenylalanine 2299.
Molecular consequence: frameshift variant.
Genome position (GRCh38, 1-based): chr6:129,460,226, A duplicated. VCF-style (leftmost placement, unchanged base first): chr6-129460225-C-CA. GRCh37 (hg19) VCF-style: chr6-129781370-C-CA.
Other names: c.6894dup, p.Phe2299fs (NM_001079823.2); short protein forms F2299fs.
Identifiers: ClinVar variation 3593032 (VCV003593032.3).
Genomic context (GRCh38, chr6:129,460,225, plus strand): 5'-CAAATTCTAGCAAATAACGGTATTTCTTTCTGCAGAAGGCTGATGCTGTACGTGTGATTA[C>CA]ATTCACTGGCTGCATGGGAGAAACATACTTTGACAACAAACCTATAGGTTTGTGGAATTT-3'